The following is an entry in ClinVar:

NM_002691.4(POLD1):c.420C>G (p.His140Gln)

Gene: POLD1 (DNA polymerase delta 1, catalytic subunit; plus strand). Cytogenetic location: 19q13.33.
Variant type: single nucleotide variant.
Coding change: c.420C>G on transcript NM_002691.4 (MANE Select); coding-DNA position 420, C replaced by G.
Protein change: p.His140Gln; replaces histidine 140 with glutamine.
Molecular consequence: missense variant. On other transcripts: non-coding transcript variant (1).
Genome position (GRCh38, 1-based): chr19:50,401,881, C>G. VCF-style: chr19-50401881-C-G. GRCh37 (hg19) VCF-style: chr19-50905138-C-G.
Other names: c.420C>G, p.His140Gln (NM_001256849.1, NM_001308632.1); short protein forms H140Q.
Identifiers: ClinVar variation 1408226 (VCV001408226.8), dbSNP rs1193429671, ClinGen allele CA406972582.

ClinVar aggregate classification (germline): Uncertain significance (1 of 4 stars; one submission).

Conditions:
POLD1-related polyposis and colorectal cancer syndrome (CRCS10). Also called: Colorectal cancer, susceptibility to, 10; Colorectal cancer 10; COLORECTAL CANCER, SUSCEPTIBILITY TO, ON CHROMOSOME 19q. Identifiers: Orphanet 220460, MedGen C2675481, MONDO:0012953, OMIM 612591.

Submission:

Labcorp Genetics (formerly Invitae), Labcorp
Classification: Uncertain significance for POLD1-related polyposis and colorectal cancer syndrome. Last evaluated: 2024-03-21. Review status: criteria provided, single submitter. Criteria: Invitae Variant Classification Sherloc (09022015). Collection method: clinical testing. Allele origin: germline.
Comment: This sequence change replaces histidine, which is basic and polar, with glutamine, which is neutral and polar, at codon 140 of the POLD1 protein (p.His140Gln). This variant is not present in population databases (gnomAD no frequency). This variant has not been reported in the literature in individuals affected with POLD1-related conditions. ClinVar contains an entry for this variant (Variation ID: 1408226). Advanced modeling of protein sequence and biophysical properties (such as structural, functional, and spatial information, amino acid conservation, physicochemical variation, residue mobility, and thermodynamic stability) performed at Invitae indicates that this missense variant is not expected to disrupt POLD1 protein function with a negative predictive value of 80%. In summary, the available evidence is currently insufficient to determine the role of this variant in disease. Therefore, it has been classified as a Variant of Uncertain Significance.